The following is an entry in ClinVar:

ClinVar aggregate classification (germline): Uncertain significance (1 of 4 stars; one submission).

Conditions:
Charcot-Marie-Tooth disease axonal type 2O. Also called: CHARCOT-MARIE-TOOTH NEUROPATHY, AXONAL, TYPE 2O; CHARCOT-MARIE-TOOTH DISEASE, AXONAL, AUTOSOMAL DOMINANT, TYPE 2O; Charcot-Marie-Tooth Neuropathy Type 2O; Charcot-Marie-Tooth disease, axonal, type 20. Identifiers: Orphanet 284232, MedGen C3280220, MONDO:0013644, OMIM 614228.

Submission:

Labcorp Genetics (formerly Invitae), Labcorp
Classification: Uncertain significance for Charcot-Marie-Tooth disease axonal type 2O. Last evaluated: 2023-01-12. Review status: criteria provided, single submitter. Criteria: Invitae Variant Classification Sherloc (09022015). Collection method: clinical testing. Allele origin: germline.
Comment: This sequence change creates a premature translational stop signal (p.Leu971*) in the DYNC1H1 gene. It is expected to result in an absent or disrupted protein product. However, the current clinical and genetic evidence is not sufficient to establish whether loss-of-function variants in DYNC1H1 cause disease. This variant is not present in population databases (gnomAD no frequency). This variant has not been reported in the literature in individuals affected with DYNC1H1-related conditions. Experimental studies and prediction algorithms are not available or were not evaluated, and the functional significance of this variant is currently unknown. In summary, the available evidence is currently insufficient to determine the role of this variant in disease. Therefore, it has been classified as a Variant of Uncertain Significance.

NM_001376.5(DYNC1H1):c.2912T>A (p.Leu971Ter)

Genes: DYNC1H1 (dynein cytoplasmic 1 heavy chain 1; plus strand), LOC130056502 (ATAC-STARR-seq lymphoblastoid active region 9063; plus strand). Cytogenetic location: 14q32.31.
Variant type: single nucleotide variant.
Coding change: c.2912T>A on transcript NM_001376.5 (MANE Select); coding-DNA position 2912, T replaced by A.
Protein change: p.Leu971Ter; replaces leucine 971 with a stop codon.
Molecular consequence: nonsense.
Genome position (GRCh38, 1-based): chr14:101,991,570, T>A. VCF-style: chr14-101991570-T-A. GRCh37 (hg19) VCF-style: chr14-102457907-T-A.
Other names: short protein forms L971*.
Identifiers: ClinVar variation 2827824 (VCV002827824.3), dbSNP rs2503708217, ClinGen allele CA391030259.